The following is an entry in ClinVar:

NM_001183.6(ATP6AP1):c.68dup (p.Met23fs)

Gene: ATP6AP1 (ATPase H+ transporting accessory protein 1; plus strand). Cytogenetic location: Xq28.
Variant type: Duplication.
Coding change: c.68dup on transcript NM_001183.6 (MANE Select); coding-DNA position 68, one base duplicated (T; older notation c.68dupT).
Protein change: p.Met23fs; shifts the reading frame from methionine 23.
Molecular consequence: frameshift variant.
Genome position (GRCh38, 1-based): chrX:154,428,760, T duplicated. VCF-style (leftmost placement, unchanged base first): chrX-154428759-A-AT. GRCh37 (hg19) VCF-style: chrX-153657105-A-AT.
Other names: short protein forms M23fs.
Identifiers: ClinVar variation 3392638 (VCV003392638.2).
Genomic context (GRCh38, chrX:154,428,759, plus strand): 5'-GCGGCCATGGCGACGGCTCGAGTGCGGATGGGGCCGCGGTGCGCCCAGGCGCTCTGGCGC[A>AT]TGCCGTGGCTGCCGGTGTTTTTGTCGTTGGCGGCGGCGGCGGCGGCGGCAGCGGCGGAGC-3'

ClinVar aggregate classification (germline): Pathogenic (1 of 4 stars; one submission).

Submission:

GeneDx
Classification: Pathogenic. Last evaluated: 2026-05-22. Review status: criteria provided, single submitter. Criteria: GeneDx Variant Classification Process June 2021. Collection method: clinical testing. Allele origin: germline.
Comment: Frameshift variant predicted to result in protein truncation or nonsense mediated decay in a gene for which loss of function is a known mechanism of disease; Not observed at significant frequency in large population cohorts (gnomAD); Has not been previously published as pathogenic or benign to our knowledge